The following is an entry in ClinVar:

NM_004263.5(SEMA4F):c.627C>T (p.Ala209=)

Gene: SEMA4F (ssemaphorin 4F; plus strand). Cytogenetic location: 2p13.1.
Variant type: single nucleotide variant.
Coding change: c.627C>T on transcript NM_004263.5 (MANE Select); coding-DNA position 627, C replaced by T.
Protein change: p.Ala209=; no amino-acid change (alanine 209 retained).
Molecular consequence: synonymous variant. On other transcripts: non-coding transcript variant (2), intron variant (1).
Genome position (GRCh38, 1-based): chr2:74,673,533, C>T. VCF-style: chr2-74673533-C-T. GRCh37 (hg19) VCF-style: chr2-74900660-C-T.
Other names: c.528C>T, p.Ala176= (NM_001271662.2); c.358-965C>T (NM_001271661.2).
Identifiers: ClinVar variation 2651080 (VCV002651080.24), dbSNP rs141145480, ClinGen allele CA1730428.

ClinVar aggregate classification (germline): Likely benign (1 of 4 stars; one submission).

Allele frequency attached by ClinVar (database versions not stated): TOPMed 0.00037; ESP Exome Variant Server 0.00046; 1000 Genomes Project 30x 0.00047; ExAC 0.00049; gnomAD 0.00049; 1000 Genomes Project 0.00060.
gnomAD v4.1: 748 of 1,614,104 alleles (0.046%); highest among the groups gnomAD compares: Non-Finnish European, 0.052%; no homozygotes.

Submission:

CeGaT Center for Human Genetics Tuebingen
Classification: Likely benign. Last evaluated: 2022-12-01. Review status: criteria provided, single submitter. Criteria: CeGaT Center For Human Genetics Tuebingen Variant Classification Criteria Version 2. Collection method: clinical testing. Allele origin: germline. Affected: yes. Observed: 1 variant allele.
Comment: SEMA4F: BP4, BP7